The following is an entry in ClinVar:

NM_078481.4(ADGRE5):c.798G>A (p.Pro266=)

Gene: ADGRE5 (adhesion G protein-coupled receptor E5; plus strand). Cytogenetic location: 19p13.12.
Variant type: single nucleotide variant.
Coding change: c.798G>A on transcript NM_078481.4 (MANE Select); coding-DNA position 798, G replaced by A.
Protein change: p.Pro266=; no amino-acid change (proline 266 retained).
Molecular consequence: synonymous variant.
Genome position (GRCh38, 1-based): chr19:14,397,914, G>A. VCF-style: chr19-14397914-G-A. GRCh37 (hg19) VCF-style: chr19-14508726-G-A.
Other names: c.651G>A, p.Pro217= (NM_001025160.3); c.519G>A, p.Pro173= (NM_001784.6).
Identifiers: ClinVar variation 2649420 (VCV002649420.24), dbSNP rs752522386, ClinGen allele CA9251515.

ClinVar aggregate classification (germline): Likely benign (1 of 4 stars; one submission).

Allele frequency attached by ClinVar (database versions not stated): ExAC 0.00003; gnomAD 0.00004.

Submission:

CeGaT Center for Human Genetics Tuebingen
Classification: Likely benign. Last evaluated: 2022-06-01. Review status: criteria provided, single submitter. Criteria: CeGaT Center For Human Genetics Tuebingen Variant Classification Criteria Version 2. Collection method: clinical testing. Allele origin: germline. Affected: yes. Observed: 1 variant allele.
Comment: ADGRE5: BP4, BP7